The following is an entry in ClinVar:

ClinVar aggregate classification (germline): Uncertain significance (1 of 4 stars; one submission).

Conditions:
Emery-Dreifuss muscular dystrophy 4, autosomal dominant (EDMD4). Also called: EMERY-DREIFUSS MUSCULAR DYSTROPHY 4 WITH VARIABLE FEATURES. Identifiers: Orphanet 261, MedGen C2751807, MONDO:0013071, OMIM 612998.
Autosomal recessive ataxia, Beauce type. Also called: SYNE1-Related Autosomal Recessive Cerebellar Ataxia; Spinocerebellar ataxia, autosomal recessive 8; ATAXIA, RECESSIVE, OF BEAUCE; SYNE1 Deficiency. Identifiers: Orphanet 88644, MedGen C1853116, MONDO:0012549, OMIM 610743.

gnomAD v4.1: 2 of 1,613,696 alleles (0.00012%); highest among the groups gnomAD compares: Admixed American, 0.0017%; no homozygotes.

Submission:

Labcorp Genetics (formerly Invitae), Labcorp
Classification: Uncertain significance for Emery-Dreifuss muscular dystrophy 4, autosomal dominant; Autosomal recessive ataxia, Beauce type. Last evaluated: 2025-08-21. Review status: criteria provided, single submitter. Criteria: Invitae Variant Classification Sherloc (09022015). Collection method: clinical testing. Allele origin: germline.
Comment: This sequence change replaces leucine, which is neutral and non-polar, with histidine, which is basic and polar, at codon 8432 of the SYNE1 protein (p.Leu8432His). This variant is not present in population databases (gnomAD no frequency). This variant has not been reported in the literature in individuals affected with SYNE1-related conditions. ClinVar contains an entry for this variant (Variation ID: 1371505). An algorithm developed to predict the effect of missense changes on protein structure and function outputs the following: PolyPhen-2: "Benign". The histidine amino acid residue is found in multiple mammalian species, which suggests that this missense change does not adversely affect protein function. In summary, the available evidence is currently insufficient to determine the role of this variant in disease. Therefore, it has been classified as a Variant of Uncertain Significance.

NM_182961.4(SYNE1):c.25439T>A (p.Leu8480His)

Gene: SYNE1 (spectrin repeat containing nuclear envelope protein 1; minus strand). Cytogenetic location: 6q25.2.
Variant type: single nucleotide variant.
Coding change: c.25439T>A on transcript NM_182961.4 (MANE Select); coding-DNA position 25439, T replaced by A.
Protein change: p.Leu8480His; replaces leucine 8480 with histidine.
Molecular consequence: missense variant.
Genome position (GRCh38, 1-based): chr6:152,139,969, A>T on the plus strand (T>A on the coding strand, the complement: SYNE1 is on the minus strand). VCF-style: chr6-152139969-A-T. GRCh37 (hg19) VCF-style: chr6-152461104-A-T.
Other names: c.2045T>A, p.Leu682His (NM_001347701.2); c.1973T>A, p.Leu658His (NM_001347702.2); c.25295T>A, p.Leu8432His (NM_033071.5); short protein forms L8432H, L658H, L682H, L8480H.
Identifiers: ClinVar variation 1371505 (VCV001371505.8), dbSNP rs2152799197, ClinGen allele CA366079988.